The following is an entry in ClinVar:

NM_000535.7(PMS2):c.1841A>G (p.Lys614Arg)

Gene: PMS2 (PMS1 homolog 2, mismatch repair system component; minus strand). Cytogenetic location: 7p22.1.
Variant type: single nucleotide variant.
Coding change: c.1841A>G on transcript NM_000535.7 (MANE Select); coding-DNA position 1841, A replaced by G.
Protein change: p.Lys614Arg; replaces lysine 614 with arginine.
Molecular consequence: missense variant. On other transcripts: non-coding transcript variant (1).
Genome position (GRCh38, 1-based): chr7:5,986,924, T>C on the plus strand (A>G on the coding strand, the complement: PMS2 is on the minus strand). VCF-style: chr7-5986924-T-C. GRCh37 (hg19) VCF-style: chr7-6026555-T-C.
Other names: c.1436A>G, p.Lys479Arg (NM_001322003.2, NM_001322004.2, NM_001322005.2 and 1 more transcripts); c.1685A>G, p.Lys562Arg (NM_001322006.2); c.1523A>G, p.Lys508Arg (NM_001322007.2, NM_001322008.2); c.1280A>G, p.Lys427Arg (NM_001322010.2); c.908A>G, p.Lys303Arg (NM_001322011.2, NM_001322012.2); c.1268A>G, p.Lys423Arg (NM_001322013.2); c.1841A>G, p.Lys614Arg (NM_001322014.2); c.1532A>G, p.Lys511Arg (NM_001322015.2); short protein forms K614R, K479R, K508R, K303R, K423R, K427R, K511R, K562R.
Identifiers: ClinVar variation 484288 (VCV000484288.26), dbSNP rs771892867, ClinGen allele CA045684.
Genomic context (GRCh38, chr7:5,986,924, plus strand): 5'-TGATGTAACTGCTTTATTCGTTTAGCTAAAGAACTCATAGAAAAGTCCAGGGGCACAACT[T>C]TCTTATTAATTTTCACAGCTACATCAACCTGAGAGGCTGACATGTCCTGAGTATTTACTA-3'
Protein context (NP_000526.2, residues 604-624): QVDVAVKINK[Lys614Arg]VVPLDFSMSS

ClinVar aggregate classification (germline): Uncertain significance. Review status: criteria provided, multiple submitters, no conflicts (2 of 4 stars). 6 submissions from 6 submitters: Uncertain significance (6). Last evaluated 2025-06-29.

Conditions:
Lynch syndrome. Identifiers: Orphanet 144, MedGen C4552100, MONDO:0005835. Disease mechanism: loss of function.
Hereditary nonpolyposis colorectal neoplasms. Identifiers: MedGen C0009405, MeSH D003123.
Hereditary cancer-predisposing syndrome. Also called: Neoplastic Syndromes, Hereditary; Tumor predisposition; Hereditary Cancer Syndrome; Hereditary neoplastic syndrome. Identifiers: Orphanet 140162, MedGen C0027672, MeSH D009386, MONDO:0015356.

Allele frequency attached by ClinVar (database versions not stated): gnomAD exomes below 0.00001; ExAC 0.00001.

Submissions (6):

Ambry Genetics
Classification: Uncertain significance for Hereditary cancer-predisposing syndrome. Last evaluated: 2025-06-29. Review status: criteria provided, single submitter. Criteria: Ambry Variant Classification Scheme 2023. Collection method: clinical testing. Allele origin: germline.
Comment: The p.K614R variant (also known as c.1841A>G), located in coding exon 11 of the PMS2 gene, results from an A to G substitution at nucleotide position 1841. The lysine at codon 614 is replaced by arginine, an amino acid with highly similar properties. This amino acid position is not well conserved in available vertebrate species, and arginine is the reference amino acid in other vertebrate species. In addition, this alteration is predicted to be tolerated by in silico analysis. Since supporting evidence is limited at this time, the clinical significance of this alteration remains unclear.

Labcorp Genetics (formerly Invitae), Labcorp
Classification: Uncertain significance for Hereditary nonpolyposis colorectal neoplasms. Last evaluated: 2025-05-25. Review status: criteria provided, single submitter. Criteria: Invitae Variant Classification Sherloc (09022015). Collection method: clinical testing. Allele origin: germline.
Comment: This sequence change replaces lysine, which is basic and polar, with arginine, which is basic and polar, at codon 614 of the PMS2 protein (p.Lys614Arg). This variant is present in population databases (rs771892867, gnomAD 0.0009%). This missense change has been observed in individual(s) with breast cancer (PMID: 25186627). ClinVar contains an entry for this variant (Variation ID: 484288). Invitae Evidence Modeling incorporating data from in vitro experimental studies (internal data) indicates that this missense variant is not expected to disrupt PMS2 function with a negative predictive value of 95%. In summary, the available evidence is currently insufficient to determine the role of this variant in disease. Therefore, it has been classified as a Variant of Uncertain Significance.

GeneDx
Classification: Uncertain significance. Last evaluated: 2024-11-24. Review status: criteria provided, single submitter. Criteria: GeneDx Variant Classification Process June 2021. Collection method: clinical testing. Allele origin: germline. Affected: yes.
Comment: Not observed at significant frequency in large population cohorts (gnomAD); In silico analysis indicates that this missense variant does not alter protein structure/function; Observed in a patient with breast cancer (PMID: 25186627); This variant is associated with the following publications: (PMID: 11292842, 25186627)

All of Us Research Program, National Institutes of Health
Classification: Uncertain significance for Lynch syndrome. Last evaluated: 2023-12-13. Review status: criteria provided, single submitter. Criteria: ACMG Guidelines, 2015. Collection method: clinical testing. Allele origin: germline. Inheritance: Autosomal dominant inheritance. Observed: 1 variant allele, 1 heterozygote.
Comment: This missense variant replaces lysine with arginine at codon 614 of the PMS2 protein. Computational prediction suggests that this variant may not impact protein structure and function (internally defined REVEL score threshold <= 0.5, PMID: 27666373). To our knowledge, functional studies have not been reported for this variant. This variant has been reported in an individual affected with breast cancer (PMID: 25186627). This variant has been identified in 1/251450 chromosomes in the general population by the Genome Aggregation Database (gnomAD). The available evidence is insufficient to determine the role of this variant in disease conclusively. Therefore, this variant is classified as a Variant of Uncertain Significance.

This study involves interpretation of variants in research participants for the purpose of population health screening. Participant phenotype was not available at the time of variant classification. Additional details can be found in publication PMID: 35346344, PMCID: PMC8962531

Color Diagnostics, LLC DBA Color Health
Classification: Uncertain significance for Hereditary cancer-predisposing syndrome. Last evaluated: 2023-11-08. Review status: criteria provided, single submitter. Criteria: ACMG Guidelines, 2015. Collection method: clinical testing. Allele origin: germline.
Comment: This missense variant replaces lysine with arginine at codon 614 of the PMS2 protein. Computational prediction suggests that this variant may not impact protein structure and function (internally defined REVEL score threshold <= 0.5, PMID: 27666373). To our knowledge, functional studies have not been reported for this variant. This variant has been reported in an individual affected with breast cancer (PMID: 25186627). This variant has been identified in 1/251450 chromosomes in the general population by the Genome Aggregation Database (gnomAD). The available evidence is insufficient to determine the role of this variant in disease conclusively. Therefore, this variant is classified as a Variant of Uncertain Significance.

Women's Health and Genetics/Laboratory Corporation of America, LabCorp
Classification: Uncertain significance. Last evaluated: 2021-11-24. Review status: criteria provided, single submitter. Criteria: LabCorp Variant Classification Summary - May 2015. Collection method: clinical testing. Allele origin: germline.
Comment: Variant summary: PMS2 c.1841A>G (p.Lys614Arg) results in a conservative amino acid change in the encoded protein sequence. Five of five in-silico tools predict a benign effect of the variant on protein function. The variant allele was found at a frequency of 4e-06 in 251450 control chromosomes. The available data on variant occurrences in the general population are insufficient to allow any conclusion about variant significance. c.1841A>G has been reported in the literature as a VUS in at-least one individual affected with breast cancer referred for multigene panel testing following a previously negative commercial BRCA1/2 analysis (example, Tung_2015). These report(s) do not provide unequivocal conclusions about association of the variant with Hereditary Nonpolyposis Colorectal Cancer. To our knowledge, no experimental evidence demonstrating an impact on protein function has been reported. Three clinical diagnostic laboratories have submitted clinical-significance assessments for this variant to ClinVar after 2014 without evidence for independent evaluation. All laboratories classified the variant as uncertain significance. Based on the evidence outlined above, the variant was classified as uncertain significance.

Literature cited by the submitters: PubMed 25186627 (cited by 5 submitters).